The following is an entry in ClinVar:

ClinVar aggregate classification (germline): Benign. Review status: criteria provided, multiple submitters, no conflicts (2 of 4 stars). 3 submissions from 3 submitters: Benign (2). 1 of the submissions does not count toward it. Last evaluated 2026-01-01.

Conditions:
COL4A1-related disorder. Also called: COL4A1-related disorders; COL4A1-related condition. Identifiers: MedGen CN376119, MONDO:0800461.

Allele frequency attached by ClinVar (database versions not stated): gnomAD 0.00006 and 0.00099; ESP Exome Variant Server 0.00015; TOPMed 0.00019; gnomAD exomes 0.00337; ExAC 0.00385; 1000 Genomes Project 30x 0.00453; 1000 Genomes Project 0.00479.
gnomAD v4.1: 2,458 of 1,550,010 alleles (0.16%); highest among the groups gnomAD compares: South Asian, 2.6%; 56 homozygotes.

Submissions (3):

CeGaT Center for Human Genetics Tuebingen
Classification: Benign. Last evaluated: 2026-01-01. Review status: criteria provided, single submitter. Criteria: CeGaT Center For Human Genetics Tuebingen Variant Classification Criteria Version 2. Collection method: clinical testing. Allele origin: germline. Affected: yes. Observed: 2 variant alleles.
Comment: COL4A1: BS1, BS2

GeneDx
Classification: Benign. Last evaluated: 2021-10-19. Review status: criteria provided, single submitter. Criteria: GeneDx Variant Classification Process June 2021. Collection method: clinical testing. Allele origin: germline. Affected: yes.
Comment: This variant is associated with the following publications: (PMID: 30413629)

PreventionGenetics, part of Exact Sciences
Classification: Benign for COL4A1-related condition. Last evaluated: 2021-04-06. Review status: no assertion criteria provided. Collection method: clinical testing. Allele origin: germline. Not counted in ClinVar's aggregate classification.
Comment: This variant is classified as benign based on ACMG/AMP sequence variant interpretation guidelines (Richards et al. 2015 PMID: 25741868, with internal and published modifications).

NM_001845.6(COL4A1):c.3877-30C>A

Gene: COL4A1 (collagen type IV alpha 1 chain; minus strand). Cytogenetic location: 13q34.
Variant type: single nucleotide variant.
Coding change: c.3877-30C>A on transcript NM_001845.6 (MANE Select); 30 bases into the intron before coding-DNA position 3877, C replaced by A.
Molecular consequence: intron variant.
Genome position (GRCh38, 1-based): chr13:110,167,260, G>T on the plus strand (C>A on the coding strand, the complement: COL4A1 is on the minus strand). VCF-style: chr13-110167260-G-T. GRCh37 (hg19) VCF-style: chr13-110819607-G-T.
Other names: c.3877-30C>A (NM_001845.5).
Identifiers: ClinVar variation 1302769 (VCV001302769.27), dbSNP rs367688295, ClinGen allele CA7047113.
Genomic context (GRCh38, chr13:110,167,260, plus strand): 5'-AGCCTGTGATTCCTGGAGAGCCACCAATACCCTAGACACGCAAAGAGGAGGTTGGGAATT[G>T]CTCAGGATATGTAGGTTAAGTCTCTCCAGTAACCTGCTAGTTGGAAAATGGAAACAGCCC-3'